The following is an entry in ClinVar:

NM_013276.4(SHPK):c.923C>G (p.Pro308Arg)

Gene: SHPK (sedoheptulokinase; minus strand). Cytogenetic location: 17p13.2.
Variant type: single nucleotide variant.
Coding change: c.923C>G on transcript NM_013276.4 (MANE Select); coding-DNA position 923, C replaced by G.
Protein change: p.Pro308Arg; replaces proline 308 with arginine.
Molecular consequence: missense variant.
Genome position (GRCh38, 1-based): chr17:3,615,438, G>C on the plus strand (C>G on the coding strand, the complement: SHPK is on the minus strand). VCF-style: chr17-3615438-G-C. GRCh37 (hg19) VCF-style: chr17-3518732-G-C.
Other names: short protein forms P308R.
Identifiers: ClinVar variation 2818304 (VCV002818304.3), dbSNP rs2507572064, ClinGen allele CA397699520.

ClinVar aggregate classification (germline): Uncertain significance (1 of 4 stars; one submission).

Submission:

Labcorp Genetics (formerly Invitae), Labcorp
Classification: Uncertain significance. Last evaluated: 2022-12-03. Review status: criteria provided, single submitter. Criteria: Invitae Variant Classification Sherloc (09022015). Collection method: clinical testing. Allele origin: germline.
Comment: Algorithms developed to predict the effect of missense changes on protein structure and function (SIFT, PolyPhen-2, Align-GVGD) all suggest that this variant is likely to be disruptive. In summary, the available evidence is currently insufficient to determine the role of this variant in disease. Therefore, it has been classified as a Variant of Uncertain Significance. This variant has not been reported in the literature in individuals affected with SHPK-related conditions. This variant is not present in population databases (gnomAD no frequency). This sequence change replaces proline, which is neutral and non-polar, with arginine, which is basic and polar, at codon 308 of the SHPK protein (p.Pro308Arg).